The following is an entry in ClinVar:

ClinVar aggregate classification (germline): Likely benign. Review status: criteria provided, multiple submitters, no conflicts (2 of 4 stars). 3 submissions from 3 submitters: Likely benign (3). Last evaluated 2026-08-01.

Conditions:
Generalized epilepsy-paroxysmal dyskinesia syndrome (PNKD3). Also called: Paroxysmal nonkinesigenic dyskinesia, 3, with or without generalized epilepsy; Generalized epilepsy and paroxysmal dyskinesia. Identifiers: Orphanet 79137, MedGen C5574945, MONDO:0012276, OMIM 609446.

Allele frequency attached by ClinVar (database versions not stated): gnomAD exomes 0.00004 and 0.00015; gnomAD 0.00007 and 0.00008; ExAC 0.00008; ESP Exome Variant Server 0.00008; TOPMed 0.00012.
gnomAD v4.1: 76 of 1,613,928 alleles (0.0047%); highest among the groups gnomAD compares: Admixed American, 0.052%; no homozygotes.

Submissions (3):

CeGaT Center for Human Genetics Tuebingen
Classification: Likely benign. Last evaluated: 2026-08-01. Review status: criteria provided, single submitter. Criteria: CeGaT Center For Human Genetics Tuebingen Variant Classification Criteria Version 2. Collection method: clinical testing. Allele origin: germline. Affected: yes. Observed: 1 variant allele.
Comment: KCNMA1: BP4, BP7

Labcorp Genetics (formerly Invitae), Labcorp
Classification: Likely benign for Generalized epilepsy-paroxysmal dyskinesia syndrome. Last evaluated: 2026-02-03. Review status: criteria provided, single submitter. Criteria: Invitae Variant Classification Sherloc (09022015). Collection method: clinical testing. Allele origin: germline.

Mayo Clinic Laboratories, Mayo Clinic
Classification: Likely benign. Last evaluated: 2025-03-11. Review status: criteria provided, single submitter. Criteria: ACMG Guidelines, 2015. Collection method: clinical testing. Allele origin: germline. Observed: 1 variant allele.
Comment: BP4, BP7

NM_001161352.2(KCNMA1):c.3021C>T (p.Asn1007=)

Genes: KCNMA1 (potassium calcium-activated channel subfamily M alpha 1; minus strand), KCNMA1-AS1 (KCNMA1 antisense RNA 1; plus strand). Cytogenetic location: 10q22.3.
Variant type: single nucleotide variant.
Coding change: c.3021C>T on transcript NM_001161352.2 (MANE Select); coding-DNA position 3021, C replaced by T.
Protein change: p.Asn1007=; no amino-acid change (asparagine 1007 retained).
Molecular consequence: synonymous variant.
Genome position (GRCh38, 1-based): chr10:76,910,092, G>A on the plus strand (C>T on the coding strand, the complement: KCNMA1 is on the minus strand). VCF-style: chr10-76910092-G-A. GRCh37 (hg19) VCF-style: chr10-78669850-G-A.
Other names: p.Asn949=; c.2859C>T, p.Asn953= (NM_001014797.3); c.2970C>T, p.Asn990= (NM_001161353.2); c.2697C>T, p.Asn899= (NM_001271518.2); c.2937C>T, p.Asn979= (NM_001271519.2); c.2856C>T, p.Asn952= (NM_001322829.2, NM_001322836.2); c.2949C>T, p.Asn983= (NM_001322830.2); c.2847C>T, p.Asn949= (NM_001322832.2, NM_002247.4); and 2 more.
Identifiers: ClinVar variation 772305 (VCV000772305.13), dbSNP rs369363787, ClinGen allele CA5567922.
Genomic context (GRCh38, chr10:76,910,092, plus strand): 5'-GTACAGTTCTGTATCAGGGTCATCATCATCGTCTTGGTCCAAAAACTGAACATTAGTATC[G>A]TTCACTAGAAAAAGCATAAAATAAGAATTAGCTCTGAAGACCACACACAGGCATTGAAGC-3'
Protein context (NP_001154824.1, residues 997-1017): VNIPIITELV[Asn1007=]DTNVQFLDQD